The following is an entry in ClinVar:

ClinVar aggregate classification (germline): Likely pathogenic (1 of 4 stars; one submission).

Conditions:
Autosomal recessive Alport syndrome (ATS2). Also called: ALPORT SYNDROME 2, AUTOSOMAL RECESSIVE; Alport syndrome type 2; COL4A4 Alport Syndrome and Thin Basement Membrane Nephropathy; COL4A3-Related Nephropathy. Identifiers: Orphanet 63, Orphanet 88919, MedGen C4746745, MONDO:0008762, OMIM 203780.

Submission:

Myriad Genetics, Inc.
Classification: Likely pathogenic for Autosomal recessive Alport syndrome. Last evaluated: 2019-10-09. Review status: criteria provided, single submitter. Criteria: Myriad Women's Health Autosomal Recessive and X-Linked Classification Criteria (2019). Collection method: clinical testing. Allele origin: unknown.
Comment: NM_000091.4(COL4A3):c.3952A>T(K1318*) is expected to be pathogenic in the context of COL4A3-related Alport syndrome. This variant is predicted to lead to an abnormal or absent protein product due to the creation of a premature termination codon in COL4A3, a gene where loss-of-function variants are known to be pathogenic. Please note: this variant was assessed in the context of healthy population screening.

NM_000091.5(COL4A3):c.3952A>T (p.Lys1318Ter)

Genes: COL4A3 (collagen type IV alpha 3 chain; plus strand), MFF-DT (MFF divergent transcript; minus strand). Cytogenetic location: 2q36.3.
Variant type: single nucleotide variant.
Coding change: c.3952A>T on transcript NM_000091.5 (MANE Select); coding-DNA position 3952, A replaced by T.
Protein change: p.Lys1318Ter; replaces lysine 1318 with a stop codon.
Molecular consequence: nonsense.
Genome position (GRCh38, 1-based): chr2:227,303,107, A>T. VCF-style: chr2-227303107-A-T. GRCh37 (hg19) VCF-style: chr2-228167823-A-T.
Other names: short protein forms K1318*.
Identifiers: ClinVar variation 983599 (VCV000983599.3), dbSNP rs2073363435, ClinGen allele CA350862264.